The following is an entry in ClinVar:

NM_000528.4(MAN2B1):c.29T>G (p.Val10Gly)

Genes: MAN2B1 (mannosidase alpha class 2B member 1; minus strand), LOC130063650 (ATAC-STARR-seq lymphoblastoid silent region 10156; plus strand). Cytogenetic location: 19p13.13.
Variant type: single nucleotide variant.
Coding change: c.29T>G on transcript NM_000528.4 (MANE Select); coding-DNA position 29, T replaced by G.
Protein change: p.Val10Gly; replaces valine 10 with glycine.
Molecular consequence: missense variant.
Genome position (GRCh38, 1-based): chr19:12,666,673, A>C on the plus strand (T>G on the coding strand, the complement: MAN2B1 is on the minus strand). VCF-style: chr19-12666673-A-C. GRCh37 (hg19) VCF-style: chr19-12777487-A-C.
Other names: c.29T>G, p.Val10Gly (NM_001173498.2); short protein forms V10G.
Identifiers: ClinVar variation 1352621 (VCV001352621.5), dbSNP rs1169325876, ClinGen allele CA404261114.

ClinVar aggregate classification (germline): Uncertain significance (1 of 4 stars; one submission).

Conditions:
Deficiency of alpha-mannosidase (MANSA). Also called: LYSOSOMAL ALPHA-D-MANNOSIDASE DEFICIENCY; Mannosidosis, alpha-, types I and II; Alpha-Mannosidosis. Identifiers: Orphanet 61, MedGen C0024748, MONDO:0009561, OMIM 248500.

Allele frequency attached by ClinVar (database versions not stated): TOPMed 0.00001.
gnomAD v4.1: 1 of 1,551,320 alleles (0.000064%); highest among the groups gnomAD compares: Non-Finnish European, 0.000087%; no homozygotes.

Submission:

Labcorp Genetics (formerly Invitae), Labcorp
Classification: Uncertain significance for Deficiency of alpha-mannosidase. Last evaluated: 2022-07-12. Review status: criteria provided, single submitter. Criteria: Invitae Variant Classification Sherloc (09022015). Collection method: clinical testing. Allele origin: germline.
Comment: This sequence change replaces valine, which is neutral and non-polar, with glycine, which is neutral and non-polar, at codon 10 of the MAN2B1 protein (p.Val10Gly). This variant is not present in population databases (gnomAD no frequency). This variant has not been reported in the literature in individuals affected with MAN2B1-related conditions. ClinVar contains an entry for this variant (Variation ID: 1352621). Algorithms developed to predict the effect of missense changes on protein structure and function are either unavailable or do not agree on the potential impact of this missense change (SIFT: "Tolerated"; PolyPhen-2: "Possibly Damaging"; Align-GVGD: "Class C0"). In summary, the available evidence is currently insufficient to determine the role of this variant in disease. Therefore, it has been classified as a Variant of Uncertain Significance.